The following is an entry in ClinVar:

ClinVar aggregate classification (germline): Uncertain significance. Review status: criteria provided, multiple submitters, no conflicts (2 of 4 stars). 2 submissions from 2 submitters: Uncertain significance (2). Last evaluated 2025-07-25.

Conditions:
Retinoblastoma (RB1). Also called: RETINOBLASTOMA, SOMATIC. Identifiers: Orphanet 790, MedGen C0035335, MeSH D012175, MONDO:0008380, OMIM 180200, HP:0009919. Disease mechanism: loss of function. Inheritance: Both sporadic and heritable forms are tested..
Hereditary cancer-predisposing syndrome. Also called: Hereditary neoplastic syndrome; Tumor predisposition; Neoplastic Syndromes, Hereditary; Hereditary Cancer Syndrome. Identifiers: Orphanet 140162, MedGen C0027672, MeSH D009386, MONDO:0015356.

Allele frequency attached by ClinVar (database versions not stated): gnomAD exomes below 0.00001; gnomAD 0.00001.
gnomAD v4.1: 3 of 1,613,444 alleles (0.00019%); highest among the groups gnomAD compares: African/African-American, 0.0013%; no homozygotes.

Submissions (2):

Ambry Genetics
Classification: Uncertain significance for Hereditary cancer-predisposing syndrome. Last evaluated: 2025-07-25. Review status: criteria provided, single submitter. Criteria: Ambry Variant Classification Scheme 2023. Collection method: clinical testing. Allele origin: germline.
Comment: The p.D886N variant (also known as c.2656G>A), located in coding exon 25 of the RB1 gene, results from a G to A substitution at nucleotide position 2656. The aspartic acid at codon 886 is replaced by asparagine, an amino acid with highly similar properties. This amino acid position is highly conserved in available vertebrate species. In addition, this alteration is predicted to be tolerated by in silico analysis. Based on the available evidence, the clinical significance of this variant remains unclear.

Labcorp Genetics (formerly Invitae), Labcorp
Classification: Uncertain significance for Retinoblastoma. Last evaluated: 2024-08-13. Review status: criteria provided, single submitter. Criteria: Invitae Variant Classification Sherloc (09022015). Collection method: clinical testing. Allele origin: germline.
Comment: This sequence change replaces aspartic acid, which is acidic and polar, with asparagine, which is neutral and polar, at codon 886 of the RB1 protein (p.Asp886Asn). This variant is present in population databases (no rsID available, gnomAD 0.01%). This variant has not been reported in the literature in individuals affected with RB1-related conditions. ClinVar contains an entry for this variant (Variation ID: 571791). Advanced modeling of protein sequence and biophysical properties (such as structural, functional, and spatial information, amino acid conservation, physicochemical variation, residue mobility, and thermodynamic stability) has been performed at Invitae for this missense variant, however the output from this modeling did not meet the statistical confidence thresholds required to predict the impact of this variant on RB1 protein function. In summary, the available evidence is currently insufficient to determine the role of this variant in disease. Therefore, it has been classified as a Variant of Uncertain Significance.

NM_000321.3(RB1):c.2656G>A (p.Asp886Asn)

Gene: RB1 (RB transcriptional corepressor 1; plus strand). Cytogenetic location: 13q14.2.
Variant type: single nucleotide variant.
Coding change: c.2656G>A on transcript NM_000321.3 (MANE Select); coding-DNA position 2656, G replaced by A.
Protein change: p.Asp886Asn; replaces aspartic acid 886 with asparagine.
Molecular consequence: missense variant.
Genome position (GRCh38, 1-based): chr13:48,476,836, G>A. VCF-style: chr13-48476836-G-A. GRCh37 (hg19) VCF-style: chr13-49050972-G-A.
Other names: short protein forms D886N.
Identifiers: ClinVar variation 571791 (VCV000571791.10), dbSNP rs1460190600, ClinGen allele CA388157637.
Genomic context (GRCh38, chr13:48,476,836, plus strand): 5'-AGCAACCCTCCTAAACCACTGAAAAAACTACGCTTTGATATTGAAGGATCAGATGAAGCA[G>A]ATGGAAGGTAGGAACCAGTTTTGAATGTTTTCCAGTAGCCGAGATGGTCATCTGGGGAAT-3'
Protein context (NP_000312.2, residues 876-896): RFDIEGSDEA[Asp886Asn]GSKHLPGESK